The following is an entry in ClinVar:

NM_015466.4(PTPN23):c.805C>T (p.Arg269Trp)

Gene: PTPN23 (protein tyrosine phosphatase non-receptor type 23; plus strand). Cytogenetic location: 3p21.31.
Variant type: single nucleotide variant.
Coding change: c.805C>T on transcript NM_015466.4 (MANE Select); coding-DNA position 805, C replaced by T.
Protein change: p.Arg269Trp; replaces arginine 269 with tryptophan.
Molecular consequence: missense variant.
Genome position (GRCh38, 1-based): chr3:47,406,748, C>T. VCF-style: chr3-47406748-C-T. GRCh37 (hg19) VCF-style: chr3-47448238-C-T.
Other names: c.427C>T, p.Arg143Trp (NM_001304482.2); short protein forms R269W, R143W.
Identifiers: ClinVar variation 1381255 (VCV001381255.6), dbSNP rs1194141991, ClinGen allele CA352546137.
Genomic context (GRCh38, chr3:47,406,748, plus strand): 5'-CTTCTTCTTTCCCAGCTGCACATGGGAAAGCAGGCCGAGGAGCAGCAGAAGTTCGGGGAG[C>T]GGGTGAGCTACAGCGAGGAGGGGACTGGGGACCAATGGCAGCCTTCAGTGAGATGCCGGT-3'
Protein context (NP_056281.1, residues 259-279): QAEEQQKFGE[Arg269Trp]VAYFQSALDK

ClinVar aggregate classification (germline): Uncertain significance (1 of 4 stars; one submission).

Allele frequency attached by ClinVar (database versions not stated): gnomAD exomes below 0.00001; gnomAD 0.00001.
gnomAD v4.1: 3 of 1,613,442 alleles (0.00019%); highest among the groups gnomAD compares: African/African-American, 0.0027%; no homozygotes.

Submission:

Labcorp Genetics (formerly Invitae), Labcorp
Classification: Uncertain significance. Last evaluated: 2022-07-12. Review status: criteria provided, single submitter. Criteria: Invitae Variant Classification Sherloc (09022015). Collection method: clinical testing. Allele origin: germline.
Comment: Algorithms developed to predict the effect of missense changes on protein structure and function are either unavailable or do not agree on the potential impact of this missense change (SIFT: "Deleterious"; PolyPhen-2: "Not Available"; Align-GVGD: "Class C0"). In summary, the available evidence is currently insufficient to determine the role of this variant in disease. Therefore, it has been classified as a Variant of Uncertain Significance. This variant has not been reported in the literature in individuals affected with PTPN23-related conditions. ClinVar contains an entry for this variant (Variation ID: 1381255). This variant is present in population databases (no rsID available, gnomAD 0.007%). This sequence change replaces arginine, which is basic and polar, with tryptophan, which is neutral and slightly polar, at codon 269 of the PTPN23 protein (p.Arg269Trp).